The following is an entry in ClinVar:

NM_000061.3(BTK):c.319G>T (p.Asp107Tyr)

Gene: BTK (Bruton tyrosine kinase; minus strand). Cytogenetic location: Xq22.1.
Variant type: single nucleotide variant.
Coding change: c.319G>T on transcript NM_000061.3 (MANE Select); coding-DNA position 319, G replaced by T.
Protein change: p.Asp107Tyr; replaces aspartic acid 107 with tyrosine.
Molecular consequence: missense variant.
Genome position (GRCh38, 1-based): chrX:101,370,070, C>A on the plus strand (G>T on the coding strand, the complement: BTK is on the minus strand). VCF-style: chrX-101370070-C-A. GRCh37 (hg19) VCF-style: chrX-100625058-C-A.
Other names: c.421G>T, p.Asp141Tyr (NM_001287344.2); c.319G>T, p.Asp107Tyr (NM_001287345.2); short protein forms D141Y, D107Y.
Identifiers: ClinVar variation 947323 (VCV000947323.9), dbSNP rs1926977202, ClinGen allele CA413937345.

ClinVar aggregate classification (germline): Uncertain significance. Review status: criteria provided, multiple submitters, no conflicts (2 of 4 stars). 4 submissions from 4 submitters: Uncertain significance (4). Last evaluated 2026-01-20.

Conditions:
Inborn genetic diseases. Identifiers: MedGen C0950123, MeSH D030342.
BTK-related disorder. Also called: BTK-related condition.
X-linked agammaglobulinemia with growth hormone deficiency (IGHD3). Also called: FLEISHER SYNDROME; Isolated growth hormone deficiency type 3; Growth hormone deficiency with hypogammaglobulinemia; ISOLATED GROWTH HORMONE DEFICIENCY, TYPE III, WITH AGAMMAGLOBULINEMIA; AGAMMAGLOBULINEMIA AND ISOLATED GROWTH HORMONE DEFICIENCY, X-LINKED; HYPOGAMMAGLOBULINEMIA AND ISOLATED GROWTH HORMONE DEFICIENCY, X-LINKED. Identifiers: Orphanet 231692, Orphanet 631, MedGen C0472813, MONDO:0010615, OMIM 307200.

Submissions (4):

PreventionGenetics, part of Exact Sciences
Classification: Uncertain significance for BTK-related condition. Last evaluated: 2026-01-20. Review status: criteria provided, single submitter. Criteria: ACMG Guidelines, 2015. Collection method: clinical testing. Allele origin: germline.
Comment: The BTK c.319G>T variant is predicted to result in the amino acid substitution p.Asp107Tyr. This variant has been reported in the hemizygous state in a cohort of individuals with primary B cell defects (Azizi et al. 2023. PubMed ID: 36790564). This variant has not been reported in a large population database (gnomAD), indicating this variant is rare. At this time, the clinical significance of this variant is uncertain due to the absence of conclusive functional and genetic evidence.

Ambry Genetics
Classification: Uncertain significance for Inborn genetic diseases. Last evaluated: 2024-09-12. Review status: criteria provided, single submitter. Criteria: Ambry Variant Classification Scheme 2023. Collection method: clinical testing. Allele origin: germline.

Labcorp Genetics (formerly Invitae), Labcorp
Classification: Uncertain significance for X-linked agammaglobulinemia with growth hormone deficiency. Last evaluated: 2024-04-29. Review status: criteria provided, single submitter. Criteria: Invitae Variant Classification Sherloc (09022015). Collection method: clinical testing. Allele origin: germline.
Comment: This sequence change replaces aspartic acid, which is acidic and polar, with tyrosine, which is neutral and polar, at codon 107 of the BTK protein (p.Asp107Tyr). This variant is not present in population databases (gnomAD no frequency). This variant has not been reported in the literature in individuals affected with BTK-related conditions. ClinVar contains an entry for this variant (Variation ID: 947323). Advanced modeling of protein sequence and biophysical properties (such as structural, functional, and spatial information, amino acid conservation, physicochemical variation, residue mobility, and thermodynamic stability) performed at Invitae indicates that this missense variant is expected to disrupt BTK protein function with a positive predictive value of 95%. In summary, the available evidence is currently insufficient to determine the role of this variant in disease. Therefore, it has been classified as a Variant of Uncertain Significance.

Women's Health and Genetics/Laboratory Corporation of America, LabCorp
Classification: Uncertain significance. Last evaluated: 2024-03-27. Review status: criteria provided, single submitter. Criteria: LabCorp Variant Classification Summary - May 2015. Collection method: clinical testing. Allele origin: germline.
Comment: Variant summary: BTK c.319G>T (p.Asp107Tyr) results in a non-conservative amino acid change located in the Pleckstrin homology domain (IPR001849) of the encoded protein sequence. Five of five in-silico tools predict a damaging effect of the variant on protein function. The variant was absent in 182626 control chromosomes (gnomAD). The available data on variant occurrences in the general population are insufficient to allow any conclusion about variant significance. c.319G>T has been reported in the literature in an individual(s) affected with a primary B cell defect (Azizi_2023). This report does not provide unequivocal conclusions about association of the variant with X-Linked Agammaglobulinemia. To our knowledge, no experimental evidence demonstrating an impact on protein function has been reported. The following publication has been ascertained in the context of this evaluation (PMID: 36790564). ClinVar contains an entry for this variant (Variation ID: 947323). Based on the evidence outlined above, the variant was classified as uncertain significance.

Literature cited by the submitters: PubMed 36790564 (cited by Women's Health and Genetics/Laboratory Corporation of America, LabCorp).